The following is an entry in ClinVar:

ClinVar aggregate classification (germline): Uncertain significance (1 of 4 stars; one submission).

Conditions:
Dilated cardiomyopathy 1DD (CMD1DD). Identifiers: Orphanet 154, MedGen C2750995, MONDO:0013168, OMIM 613172.

Submission:

Labcorp Genetics (formerly Invitae), Labcorp
Classification: Uncertain significance for Dilated cardiomyopathy 1DD. Last evaluated: 2023-11-27. Review status: criteria provided, single submitter. Criteria: Invitae Variant Classification Sherloc (09022015). Collection method: clinical testing. Allele origin: germline.
Comment: This sequence change replaces proline, which is neutral and non-polar, with glutamine, which is neutral and polar, at codon 46 of the RBM20 protein (p.Pro46Gln). This variant is not present in population databases (gnomAD no frequency). This variant has not been reported in the literature in individuals affected with RBM20-related conditions. ClinVar contains an entry for this variant (Variation ID: 1962972). Advanced modeling of protein sequence and biophysical properties (such as structural, functional, and spatial information, amino acid conservation, physicochemical variation, residue mobility, and thermodynamic stability) performed at Invitae indicates that this missense variant is not expected to disrupt RBM20 protein function with a negative predictive value of 95%. In summary, the available evidence is currently insufficient to determine the role of this variant in disease. Therefore, it has been classified as a Variant of Uncertain Significance.

NM_001134363.3(RBM20):c.137C>A (p.Pro46Gln)

Gene: RBM20 (RNA binding motif protein 20; plus strand). Cytogenetic location: 10q25.2.
Variant type: single nucleotide variant.
Coding change: c.137C>A on transcript NM_001134363.3 (MANE Select); coding-DNA position 137, C replaced by A.
Protein change: p.Pro46Gln; replaces proline 46 with glutamine.
Molecular consequence: missense variant.
Genome position (GRCh38, 1-based): chr10:110,644,591, C>A. VCF-style: chr10-110644591-C-A. GRCh37 (hg19) VCF-style: chr10-112404349-C-A.
Other names: short protein forms P46Q.
Identifiers: ClinVar variation 1962972 (VCV001962972.5), dbSNP rs1861840801, ClinGen allele CA378527823.
Genomic context (GRCh38, chr10:110,644,591, plus strand): 5'-TGCCTGGTGCCCGGGCGTCCCCGGCACCCTCCGGCCCGCGAGGGATGCAGCAGCCGCCGC[C>A]GCCGCCCCAGCCACCGCCCCCGCCCCAAGCCGGCCTACCCCAGATCATCCAAAAGTAAGA-3'
Protein context (NP_001127835.2, residues 36-56): SGPRGMQQPP[Pro46Gln]PPQPPPPPQA